The following is an entry in ClinVar:

NM_000051.4(ATM):c.381del (p.Thr127_Val128insTer)

Gene: ATM (ATM serine/threonine kinase; plus strand). Cytogenetic location: 11q22.3.
Variant type: Deletion.
Coding change: c.381del on transcript NM_000051.4 (MANE Select); coding-DNA position 381, one base deleted (A; older notation c.381delA).
Protein change: p.Thr127_Val128insTer.
Molecular consequence: frameshift variant.
Genome position (GRCh38, 1-based): chr11:108,235,719, A deleted. VCF-style (leftmost placement, unchanged base first): chr11-108235718-CA-C. GRCh37 (hg19) VCF-style: chr11-108106445-CA-C.
Other names: c.381delA (NM_000051.4, NM_000051.3); c.381del, p.Thr127_Val128insTer (NM_001351834.2).
Identifiers: ClinVar variation 141546 (VCV000141546.89), dbSNP rs587781831, ClinGen allele CA165729.

ClinVar aggregate classification (germline): Pathogenic/Likely pathogenic. Review status: criteria provided, multiple submitters, no conflicts (2 of 4 stars). 24 submissions from 24 submitters: Pathogenic (19); Likely pathogenic (1). 4 of the submissions do not count toward it. Last evaluated 2026-04-10.

Conditions:
ATM-related disorder. Also called: ATM-related disorders; ATM-related condition.
Breast cancer, susceptibility to. Identifiers: MedGen C3469522. Disease mechanism: gain of function.
Ataxia-telangiectasia syndrome (AT). Also called: ATAXIA-TELANGIECTASIA, COMPLEMENTATION GROUP A; ATAXIA-TELANGIECTASIA, FRESNO VARIANT; Ataxia-telangiectasia; Ataxia-telangiectasia, complementation group D; AT, COMPLEMENTATION GROUP C; Ataxia-telangiectasia, complementation group E. Identifiers: Orphanet 100, MedGen C0004135, MONDO:0008840, OMIM 208900.
Hereditary cancer-predisposing syndrome. Also called: Tumor predisposition; Hereditary neoplastic syndrome; Hereditary Cancer Syndrome; Neoplastic Syndromes, Hereditary. Identifiers: Orphanet 140162, MedGen C0027672, MeSH D009386, MONDO:0015356.
Familial cancer of breast. Also called: Hereditary breast cancer; hereditary breast carcinoma; BREAST CANCER, FAMILIAL. Identifiers: Orphanet 227535, MedGen C0346153, MONDO:0016419, OMIM 114480. Disease mechanism: loss of function.

Allele frequency attached by ClinVar (database versions not stated): gnomAD exomes below 0.00001; TOPMed 0.00003.

Submissions 1 to 14 of 24:

Institute of Human Genetics, University of Leipzig Medical Center
Classification: Pathogenic for Familial cancer of breast. Last evaluated: 2026-04-10. Review status: criteria provided, single submitter. Criteria: ACMG Guidelines, 2015. Collection method: clinical testing. Allele origin: unknown. Inheritance: Autosomal dominant inheritance. Affected: yes.
Comment: Criteria applied: PVS1,PM3_STR,PM2_SUP,PM5_SUP

CeGaT Center for Human Genetics Tuebingen
Classification: Pathogenic. Last evaluated: 2025-12-01. Review status: criteria provided, single submitter. Criteria: CeGaT Center For Human Genetics Tuebingen Variant Classification Criteria Version 2. Collection method: clinical testing. Allele origin: germline. Affected: yes. Observed: 3 variant alleles.
Comment: ATM: PVS1, PM2

Institute of Human Genetics, FAU Erlangen, Friedrich-Alexander-Universität Erlangen-Nürnberg
Classification: Pathogenic. Last evaluated: 2025-10-30. Review status: criteria provided, single submitter. Criteria: Hauer et al. (Genet Med. 2018). Collection method: clinical testing. Allele origin: germline. Inheritance: Unknown mechanism. Affected: yes. Observed: 1 variant allele.
Comment: This variant has been identified by standard clinical testing.

Labcorp Genetics (formerly Invitae), Labcorp
Classification: Pathogenic for Ataxia-telangiectasia syndrome. Last evaluated: 2025-07-07. Review status: criteria provided, single submitter. Criteria: Invitae Variant Classification Sherloc (09022015). Collection method: clinical testing. Allele origin: germline.
Comment: This sequence change creates a premature translational stop signal (p.Val128*) in the ATM gene. It is expected to result in an absent or disrupted protein product. Loss-of-function variants in ATM are known to be pathogenic (PMID: 23807571, 25614872). This variant is present in population databases (rs587781831, gnomAD 0.0009%). This premature translational stop signal has been observed in individual(s) with ataxia-telangiectasia (PMID: 15843990, 16266405, 25502423, 25614872). This variant is also known as c.380delA and c.381_381delA. ClinVar contains an entry for this variant (Variation ID: 141546). For these reasons, this variant has been classified as Pathogenic.

Ambry Genetics
Classification: Pathogenic for Hereditary cancer-predisposing syndrome. Last evaluated: 2024-06-27. Review status: criteria provided, single submitter. Criteria: Ambry Variant Classification Scheme 2023. Collection method: clinical testing. Allele origin: germline.
Comment: The c.381delA pathogenic mutation, located in coding exon 4 of the ATM gene, results from a deletion of one nucleotide at nucleotide position 381, causing a translational frameshift with a predicted alternate stop codon (p.V128*). This variant has been identified in the homozygous state and/or in conjunction with other ATM variant(s) in individual(s) with features consistent with ataxia-telangiectasia (A-T) (Babaei M et al. Hum. Genet. 2005 Jul;117(2-3):101-6; Mitui M et al. Ann. Hum. Genet. 2005 Nov;69(Pt 6):657-64; Podralska MJ et al. Mol. Genet. Genomic Med. 2014 Nov;2(6):504-11). This variant has also been identified amongst a high-risk melanoma cohort (Stolarova L et al. Biomedicines, 2020 Oct;8). This variant is considered to be rare based on population cohorts in the Genome Aggregation Database (gnomAD). In addition to the clinical data presented in the literature, this alteration is expected to result in loss of function by premature protein truncation or nonsense-mediated mRNA decay. As such, this alteration is interpreted as a disease-causing mutation.

Myriad Genetics, Inc.
Classification: Pathogenic for Familial cancer of breast. Last evaluated: 2024-01-09. Review status: criteria provided, single submitter. Criteria: Myriad Autosomal Dominant, Autosomal Recessive and X-Linked Classification Criteria (2023). Collection method: clinical testing. Allele origin: unknown.
Comment: This variant is considered pathogenic. This variant creates a termination codon and is predicted to result in premature protein truncation.

GeneDx
Classification: Pathogenic. Last evaluated: 2023-09-06. Review status: criteria provided, single submitter. Criteria: GeneDx Variant Classification Process June 2021. Collection method: clinical testing. Allele origin: germline. Affected: yes.
Comment: Observed with a second ATM variant in individuals with ataxia telangiectasia (Babaei et al., 2005; Broccoletti et al., 2011); Observed in the heterozygous state in individuals with ATM-related cancers referred for genetic testing at GeneDx and in published literature (Siraj et al., 2017); Nonsense variant predicted to result in protein truncation or nonsense mediated decay in a gene for which loss-of-function is a known mechanism of disease; Not observed at a significant frequency in large population cohorts (gnomAD); This variant is associated with the following publications: (PMID: 10330348, 26662178, 29922827, 16266405, 25502423, 15390180, 20840352, 15843990, 14970866, 28975465, 28779002, 31850668, 21665257, 22763152, 10425038, 11839094, 33779842)

Baylor Genetics
Classification: Pathogenic for Familial cancer of breast. Last evaluated: 2023-08-24. Review status: criteria provided, single submitter. Criteria: ACMG Guidelines, 2015. Collection method: clinical testing. Allele origin: unknown.

Genomic Medicine Center of Excellence, King Faisal Specialist Hospital and Research Centre
Classification: Pathogenic for Ataxia-telangiectasia syndrome. Last evaluated: 2023-05-08. Review status: criteria provided, single submitter. Criteria: ACMG Guidelines, 2015. Collection method: research. Allele origin: germline. Affected: yes.

Color Diagnostics, LLC DBA Color Health
Classification: Pathogenic for Hereditary cancer-predisposing syndrome. Last evaluated: 2022-10-07. Review status: criteria provided, single submitter. Criteria: ACMG Guidelines, 2015. Collection method: clinical testing. Allele origin: germline.
Comment: This variant deletes 1 nucleotide in exon 5 of the ATM gene, creating a frameshift and premature translation stop signal. This variant is expected to result in an absent or non-functional protein product. To our knowledge, functional studies have not been reported for this variant. This variant has been reported in individuals affected with autosomal recessive ataxia-telangiectasia (PMID: 10330348, 10425038, 11839094, 15843990, 20840352). This variant has been identified in 1/251238 chromosomes in the general population by the Genome Aggregation Database (gnomAD). Loss of ATM function is a known mechanism of disease. Based on the available evidence, this variant is classified as Pathogenic.

Women's Health and Genetics/Laboratory Corporation of America, LabCorp
Classification: Pathogenic for Ataxia-telangiectasia syndrome. Last evaluated: 2022-08-15. Review status: criteria provided, single submitter. Criteria: LabCorp Variant Classification Summary - May 2015. Collection method: clinical testing. Allele origin: germline.
Comment: Variant summary: ATM c.381delA (p.Val128X) results in a premature termination codon, predicted to cause a truncation of the encoded protein or absence of the protein due to nonsense mediated decay, which are commonly known mechanisms for disease. Truncations downstream of this position have been classified as pathogenic by our laboratory. The variant allele was found at a frequency of 4e-06 in 251238 control chromosomes. c.381delA has been reported in the literature in multiple individuals affected with Ataxia-Telangiectasia (examples: Broccoletti_2011, Micol_2011, Mitui_2005, Al-Muhaizea_2022, etc). Experimental evidence evaluating an impact on protein function, demonstrated the variant to result in an overall reduced ATM protein level, mRNA level and cell survival after exposure to ionizing radiation (Fernet_2004). 16 clinical diagnostic laboratories have submitted clinical-significance assessments for this variant to ClinVar after 2014 without evidence for independent evaluation. All laboratories classified the variant as pathogenic/likely pathogenic. Based on the evidence outlined above, the variant was classified as pathogenic.

MGZ Medical Genetics Center
Classification: Pathogenic for Familial cancer of breast. Last evaluated: 2021-12-20. Review status: criteria provided, single submitter. Criteria: ACMG Guidelines, 2015. Collection method: clinical testing. Allele origin: germline. Affected: yes. Observed: 1 variant allele.
Comment: ACMG criteria applied: PVS1, PM3, PS3_SUP, PS4_SUP

Institute for Clinical Genetics, University Hospital TU Dresden, University Hospital TU Dresden
Classification: Pathogenic. Last evaluated: 2021-11-03. Review status: criteria provided, single submitter. Criteria: ACMG Guidelines, 2015. Collection method: clinical testing. Allele origin: germline.

Revvity Omics, Revvity
Classification: Pathogenic for Ataxia-telangiectasia syndrome. Last evaluated: 2021-09-02. Review status: criteria provided, single submitter. Criteria: ACMG Guidelines, 2015. Collection method: clinical testing. Allele origin: germline.